The following is an entry in ClinVar:

NM_004187.5(KDM5C):c.150+1G>A

Gene: KDM5C (lysine demethylase 5C; minus strand). Cytogenetic location: Xp11.22.
Variant type: single nucleotide variant.
Coding change: c.150+1G>A on transcript NM_004187.5 (MANE Select); the canonical splice donor site of the intron after coding-DNA position 150, G replaced by A.
Molecular consequence: splice donor variant.
Genome position (GRCh38, 1-based): chrX:53,224,739, C>T on the plus strand (G>A on the coding strand, the complement: KDM5C is on the minus strand). VCF-style: chrX-53224739-C-T. GRCh37 (hg19) VCF-style: chrX-53253921-C-T.
Other names: c.150+1G>A (NM_001353982.2, NM_001353979.2, NM_001353981.2 and 4 more transcripts).
Identifiers: ClinVar variation 2833300 (VCV002833300.3), dbSNP rs2073994731, ClinGen allele CA413133898.

ClinVar aggregate classification (germline): Likely pathogenic (1 of 4 stars; one submission).

Conditions:
Spastic paraplegia. Identifiers: MedGen C0037772, HP:0001258.

Submission:

Labcorp Genetics (formerly Invitae), Labcorp
Classification: Likely pathogenic for Spastic paraplegia. Last evaluated: 2023-07-03. Review status: criteria provided, single submitter. Criteria: Invitae Variant Classification Sherloc (09022015). Collection method: clinical testing. Allele origin: germline.
Comment: This variant is not present in population databases (gnomAD no frequency). In summary, the currently available evidence indicates that the variant is pathogenic, but additional data are needed to prove that conclusively. Therefore, this variant has been classified as Likely Pathogenic. Algorithms developed to predict the effect of sequence changes on RNA splicing suggest that this variant may disrupt the consensus splice site. This variant has not been reported in the literature in individuals affected with KDM5C-related conditions. This sequence change affects a donor splice site in intron 1 of the KDM5C gene. It is expected to disrupt RNA splicing. Variants that disrupt the donor or acceptor splice site typically lead to a loss of protein function (PMID: 16199547), and loss-of-function variants in KDM5C are known to be pathogenic (PMID: 15586325, 18697827).

Literature cited by the submitters: PubMed 16199547; PubMed 15586325; PubMed 18697827.